The following is an entry in ClinVar:

NM_177924.5(ASAH1):c.290T>A (p.Val97Glu)

Gene: ASAH1 (N-acylsphingosine amidohydrolase 1; minus strand). Cytogenetic location: 8p22.
Variant type: single nucleotide variant.
Coding change: c.290T>A on transcript NM_177924.5 (MANE Select); coding-DNA position 290, T replaced by A.
Protein change: p.Val97Glu; replaces valine 97 with glutamic acid.
Molecular consequence: missense variant. On other transcripts: intron variant (1).
Genome position (GRCh38, 1-based): chr8:18,069,805, A>T on the plus strand (T>A on the coding strand, the complement: ASAH1 is on the minus strand). VCF-style: chr8-18069805-A-T. GRCh37 (hg19) VCF-style: chr8-17927314-A-T.
Other names: c.95T>A, p.Val32Glu (NM_001363743.2); c.338T>A, p.Val113Glu (NM_004315.6); c.285+1495T>A (NM_001127505.3); short protein forms V113E, V32E, V97E.
Identifiers: ClinVar variation 812473 (VCV000812473.1), dbSNP rs1588989964, ClinGen allele CA370433053.

ClinVar aggregate classification (germline): Pathogenic (1 of 4 stars; one submission).

Conditions:
Farber lipogranulomatosis (FRBRL). Also called: AC DEFICIENCY; ACID CERAMIDASE DEFICIENCY; CERAMIDASE DEFICIENCY; N-LAURYLSPHINGOSINE DEACYLASE DEFICIENCY; Farber's lipogranulomatosis; Farber's disease. Identifiers: Orphanet 333, MedGen C0268255, MONDO:0009218, OMIM 228000.

Submission:

Medical Affairs, Dicerna Pharmaceuticals
Classification: Pathogenic for Farber lipogranulomatosis. Last evaluated: 2019-06-19. Review status: criteria provided, single submitter. Criteria: ACMG Guidelines, 2015. Collection method: literature only. Allele origin: maternal. Inheritance: Autosomal recessive inheritance. Affected: yes. Observed: 1 variant allele.
Comment: Clinical significance of pathogenic was assigned to variant c.290T>A. A nodule biopsy was conducted and the diagnosis of Farber disease was made using a fibroblast sulphatide loading experiment (Kudoh et al., 1982, DOI: 10.1172/JCI110607) Through cDNA and genomic sequencing, compound heterozygous variants were identified, c.290T>A and c.703G>C. Variant 290T>A is a novel variant. Acid cermidase activity was analyzed using COS1 cells transfected with mutant cDNA. Expression of mutated acid ceramidase protein, V97E, showed acid ceramidase activity decreased to 35% of controls demonstrating the negative effect of this variant.

Literature cited by the submitters: DOI 10.1023/A.